The following is an entry in ClinVar:

ClinVar aggregate classification (germline): Pathogenic (1 of 4 stars; one submission).

Conditions:
Tyrosinase-positive oculocutaneous albinism (OCA2). Also called: ALBINISM II; Oculocutaneous albinism type 2; Albinism, oculocutaneous, type II. Identifiers: Orphanet 79432, MedGen C0268495, MONDO:0008746, OMIM 203200.

Submission:

Myriad Genetics, Inc.
Classification: Pathogenic for Tyrosinase-positive oculocutaneous albinism. Last evaluated: 2025-09-29. Review status: criteria provided, single submitter. Criteria: Myriad Autosomal Dominant, Autosomal Recessive and X-Linked Classification Criteria (2023). Collection method: clinical testing. Allele origin: unknown.
Comment: NM_000275.2(OCA2):c.1549delT(C517Afs*31) is expected to be pathogenic in the context of oculocutaneous albinism, OCA2-related. This variant is predicted to lead to an abnormal or absent protein product due to the creation of a premature termination codon in OCA2, a gene where loss-of-function variants are known to be pathogenic. Please note: this variant was assessed in the context of healthy population screening.

NM_000275.3(OCA2):c.1549del (p.Cys517fs)

Gene: OCA2 (OCA2 melanosomal transmembrane protein; minus strand). Cytogenetic location: 15q13.1.
Variant type: Deletion.
Coding change: c.1549del on transcript NM_000275.3 (MANE Select); coding-DNA position 1549, one base deleted (T; older notation c.1549delT).
Protein change: p.Cys517fs; shifts the reading frame from cysteine 517.
Molecular consequence: frameshift variant.
Genome position (GRCh38, 1-based): chr15:27,966,777, A deleted on the plus strand (T on the coding strand, the reverse complement: OCA2 is on the minus strand); the first of 3 consecutive A bases (chr15:27,966,777-27,966,779); deleting any one gives the same sequence. VCF-style (leftmost placement, unchanged base first): chr15-27966776-CA-C. GRCh37 (hg19) VCF-style: chr15-28211922-CA-C.
Other names: c.1477del, p.Cys493fs (NM_001300984.2); short protein forms C493fs, C517fs.
Identifiers: ClinVar variation 5015031 (VCV005015031.1).